The following is an entry in ClinVar:

ClinVar aggregate classification (germline): Uncertain significance (1 of 4 stars; one submission).

Conditions:
Nephrotic syndrome. Identifiers: MedGen C0027726, MONDO:0005377, HP:0000100.

Submission:

Victorian Clinical Genetics Services, Murdoch Childrens Research Institute
Classification: Uncertain significance for Nephrotic syndrome. Last evaluated: 2020-05-21. Review status: criteria provided, single submitter. Criteria: ACMG Guidelines, 2015. Collection method: clinical testing. Allele origin: germline. Affected: yes.
Comment: A heterozygous missense variant was identified, NM_005560.4(LAMA5):c.3787C>T in exon 30 of 80 of the LAMA5 gene. This substitution is predicted to create a moderate amino acid change from a proline to a serine at position 1263 of the protein; NP_005551.3(LAMA5):p.(Pro1263Ser). The proline at this position has high conservation (100 vertebrates, UCSC), and is located within the Domain IV 1 region (PDB). In silico software predictions of the pathogenicity of this variant are conflicting (Polyphen, SIFT, CADD, Mutation Taster). The variant is not present in the gnomAD population database, and has not previously been reported in clinical cases. Based on information available at the time of curation, this variant has been classified as a VUS. Legend: (P) - Pathogenic, (N) - Neutral, (B) - Benign

Literature cited by the submitters: PubMed 29534211.

NM_005560.6(LAMA5):c.3787C>T (p.Pro1263Ser)

Gene: LAMA5 (laminin subunit alpha 5; minus strand). Cytogenetic location: 20q13.33.
Variant type: single nucleotide variant.
Coding change: c.3787C>T on transcript NM_005560.6 (MANE Select); coding-DNA position 3787, C replaced by T.
Protein change: p.Pro1263Ser; replaces proline 1263 with serine.
Molecular consequence: missense variant.
Genome position (GRCh38, 1-based): chr20:62,330,808, G>A on the plus strand (C>T on the coding strand, the complement: LAMA5 is on the minus strand). VCF-style: chr20-62330808-G-A. GRCh37 (hg19) VCF-style: chr20-60905864-G-A.
Other names: short protein forms P1263S.
Identifiers: ClinVar variation 3377490 (VCV003377490.1).